The following is an entry in ClinVar:

NM_006662.3(SRCAP):c.5951A>G (p.Glu1984Gly)

Gene: SRCAP (Snf2 related CREBBP activator protein; plus strand). Cytogenetic location: 16p11.2.
Variant type: single nucleotide variant.
Coding change: c.5951A>G on transcript NM_006662.3 (MANE Select); coding-DNA position 5951, A replaced by G.
Protein change: p.Glu1984Gly; replaces glutamic acid 1984 with glycine.
Molecular consequence: missense variant.
Genome position (GRCh38, 1-based): chr16:30,729,396, A>G. VCF-style: chr16-30729396-A-G. GRCh37 (hg19) VCF-style: chr16-30740717-A-G.
Other names: short protein forms E1984G.
Identifiers: ClinVar variation 2501877 (VCV002501877.1), dbSNP rs2506698753, ClinGen allele CA395621885.

ClinVar aggregate classification (germline): Uncertain significance (1 of 4 stars; one submission).

Allele frequency attached by ClinVar (database versions not stated): gnomAD exomes below 0.00001.
gnomAD v4.1: 1 of 1,613,956 alleles (0.000062%); highest among the groups gnomAD compares: East Asian, 0.0022%; no homozygotes.

Submission:

GeneDx
Classification: Uncertain significance. Last evaluated: 2022-11-08. Review status: criteria provided, single submitter. Criteria: GeneDx Variant Classification Process June 2021. Collection method: clinical testing. Allele origin: germline. Affected: yes.
Comment: Not observed at significant frequency in large population cohorts (gnomAD); In silico analysis supports that this missense variant has a deleterious effect on protein structure/function; Has not been previously published as pathogenic or benign to our knowledge